The following is an entry in ClinVar:

ClinVar aggregate classification (germline): Conflicting classifications of pathogenicity. Review status: criteria provided, conflicting classifications (1 of 4 stars). 2 submissions from 2 submitters: Uncertain significance (1); Likely benign (1). Last evaluated 2025-04-22.

Conditions:
RASopathy. Also called: Noonan spectrum disorder; rasopathies. Identifiers: Orphanet 536391, MedGen C5555857, MONDO:0021060.

gnomAD v4.1: 3 of 1,610,716 alleles (0.00019%); highest among the groups gnomAD compares: African/African-American, 0.004%; no homozygotes.

Submissions (2):

Labcorp Genetics (formerly Invitae), Labcorp
Classification: Likely benign for RASopathy. Last evaluated: 2025-04-22. Review status: criteria provided, single submitter. Criteria: Invitae Variant Classification Sherloc (09022015). Collection method: clinical testing. Allele origin: germline.

GeneDx
Classification: Uncertain significance. Last evaluated: 2021-05-11. Review status: criteria provided, single submitter. Criteria: GeneDx Variant Classification Process June 2021. Collection method: clinical testing. Allele origin: germline. Affected: yes.
Comment: In silico analysis supports that this variant does not alter splicing; Has not been previously published as pathogenic or benign to our knowledge

NM_007373.4(SHOC2):c.720C>A (p.Leu240=)

Gene: SHOC2 (SHOC2 leucine rich repeat scaffold protein; plus strand). Cytogenetic location: 10q25.2.
Variant type: single nucleotide variant.
Coding change: c.720C>A on transcript NM_007373.4 (MANE Select); coding-DNA position 720, C replaced by A.
Protein change: p.Leu240=; no amino-acid change (leucine 240 retained).
Molecular consequence: synonymous variant. On other transcripts: non-coding transcript variant (1), intron variant (1).
Genome position (GRCh38, 1-based): chr10:110,985,644, C>A. VCF-style: chr10-110985644-C-A. GRCh37 (hg19) VCF-style: chr10-112745402-C-A.
Other names: c.720C>A, p.Leu240= (NM_001324336.2, NM_001324337.2); c.704-14771C>A (NM_001269039.3).
Identifiers: ClinVar variation 1321570 (VCV001321570.5), dbSNP rs759714493, ClinGen allele CA5689629.
Genomic context (GRCh38, chr10:110,985,644, plus strand): 5'-TCTTTAATAATGCTTATTGAATTTTTATGTTGGTCAATTTACAGGTGAATTATGTAACCT[C>A]ATTACGCTGGATGTAGCTCACAATCAACTTGAACACCTTCCAAAGGAGATTGGAAACTGT-3'
Protein context (NP_031399.2, residues 230-250): LPAEIGELCN[Leu240=]ITLDVAHNQL